The following is an entry in ClinVar:

ClinVar aggregate classification (germline): Uncertain significance (1 of 4 stars; one submission).

Conditions:
Malignant hyperthermia, susceptibility to, 1 (MHS1). Also called: RYR1-Related Malignant Hyperthermia Susceptibility; Malignant hyperthermia suceptibility 1; Anesthesia related hyperthermia; Malignant hyperpyrexia; Fulminating hyperpyrexia; Pharmacogenic myopathy. Identifiers: Orphanet 423, MedGen C2930980, MONDO:0007783, OMIM 145600.

gnomAD v4.1: 1 of 1,613,034 alleles (0.000062%); highest among the groups gnomAD compares: Non-Finnish European, 0.000085%; no homozygotes.

Submission:

Color Diagnostics, LLC DBA Color Health
Classification: Uncertain significance for Malignant hyperthermia, susceptibility to, 1. Last evaluated: 2025-07-20. Review status: criteria provided, single submitter. Criteria: ACMG Guidelines, 2015. Collection method: clinical testing. Allele origin: germline.
Comment: This missense variant replaces serine with leucine at codon 2948 of the RYR1 protein. Computational prediction suggests that this variant may not impact protein structure and function. To our knowledge, functional studies have not been reported for this variant. This variant has not been reported in individuals affected with RYR1-related disorders in the literature. This variant has not been identified in the general population by the Genome Aggregation Database (gnomAD). The available evidence is insufficient to determine the role of this variant in disease conclusively. Therefore, this variant is classified as a Variant of Uncertain Significance.

NM_000540.3(RYR1):c.8843C>T (p.Ser2948Leu)

Gene: RYR1 (ryanodine receptor 1; plus strand). Cytogenetic location: 19q13.2.
Variant type: single nucleotide variant.
Coding change: c.8843C>T on transcript NM_000540.3 (MANE Select); coding-DNA position 8843, C replaced by T.
Protein change: p.Ser2948Leu; replaces serine 2948 with leucine.
Molecular consequence: missense variant.
Genome position (GRCh38, 1-based): chr19:38,507,738, C>T. VCF-style: chr19-38507738-C-T. GRCh37 (hg19) VCF-style: chr19-38998378-C-T.
Other names: c.8843C>T, p.Ser2948Leu (NM_001042723.2); short protein forms S2948L.
Identifiers: ClinVar variation 4758552 (VCV004758552.1).